The following is an entry in ClinVar:

NM_005159.5(ACTC1):c.617-7T>A

Genes: ACTC1 (actin alpha cardiac muscle 1; minus strand), GJD2-DT (GJD2 divergent transcript; plus strand). Cytogenetic location: 15q14.
Variant type: single nucleotide variant.
Coding change: c.617-7T>A on transcript NM_005159.5 (MANE Select); 7 bases into the intron before coding-DNA position 617, T replaced by A.
Molecular consequence: intron variant.
Genome position (GRCh38, 1-based): chr15:34,792,288, A>T on the plus strand (T>A on the coding strand, the complement: ACTC1 is on the minus strand). VCF-style: chr15-34792288-A-T. GRCh37 (hg19) VCF-style: chr15-35084489-A-T.
Identifiers: ClinVar variation 1332679 (VCV001332679.2), dbSNP rs750536667, ClinGen allele CA712279868.

ClinVar aggregate classification (germline): Uncertain significance (1 of 4 stars; one submission).

Conditions:
Cardiomyopathy (CMYO). Also called: Cardiomyopathies. Identifiers: Orphanet 167848, MedGen C0878544, MONDO:0004994, HP:0001638. Inheritance: Various modes of inheritance.

Submission:

Color Diagnostics, LLC DBA Color Health
Classification: Uncertain significance for Cardiomyopathy. Last evaluated: 2021-07-14. Review status: criteria provided, single submitter. Criteria: ACMG Guidelines, 2015. Collection method: clinical testing. Allele origin: germline.
Comment: This variant causes a T to A nucleotide substitution at the -7 position of intron 4 of the ACTC1 gene. Splice prediction tools and conservation analysis are inconclusive regarding the impact of this variant on RNA splicing. To our knowledge, functional studies have not been reported for this variant. This variant has not been reported in individuals affected with cardiovascular disorders in the literature. This variant has not been identified in the general population by the Genome Aggregation Database (gnomAD). The available evidence is insufficient to determine the role of this variant in disease conclusively. Therefore, this variant is classified as a Variant of Uncertain Significance.